The following is an entry in ClinVar:

ClinVar aggregate classification (germline): Uncertain significance (1 of 4 stars; one submission).

Allele frequency attached by ClinVar (database versions not stated): TOPMed below 0.00001; gnomAD 0.00001; gnomAD exomes 0.00001; ExAC 0.00004.

Submission:

Labcorp Genetics (formerly Invitae), Labcorp
Classification: Uncertain significance. Last evaluated: 2024-06-08. Review status: criteria provided, single submitter. Criteria: Invitae Variant Classification Sherloc (09022015). Collection method: clinical testing. Allele origin: germline.
Comment: This sequence change replaces glycine, which is neutral and non-polar, with arginine, which is basic and polar, at codon 21 of the KRT16 protein (p.Gly21Arg). The frequency data for this variant in the population databases is considered unreliable, as metrics indicate poor data quality at this position in the gnomAD database. This variant has not been reported in the literature in individuals affected with KRT16-related conditions. ClinVar contains an entry for this variant (Variation ID: 1962790). Advanced modeling of protein sequence and biophysical properties (such as structural, functional, and spatial information, amino acid conservation, physicochemical variation, residue mobility, and thermodynamic stability) performed at Invitae indicates that this missense variant is not expected to disrupt KRT16 protein function with a negative predictive value of 95%. In summary, the available evidence is currently insufficient to determine the role of this variant in disease. Therefore, it has been classified as a Variant of Uncertain Significance.

NM_005557.4(KRT16):c.61G>A (p.Gly21Arg)

Gene: KRT16 (keratin 16; minus strand). Cytogenetic location: 17q21.2.
Variant type: single nucleotide variant.
Coding change: c.61G>A on transcript NM_005557.4 (MANE Select); coding-DNA position 61, G replaced by A.
Protein change: p.Gly21Arg; replaces glycine 21 with arginine.
Molecular consequence: missense variant.
Genome position (GRCh38, 1-based): chr17:41,612,628, C>T on the plus strand (G>A on the coding strand, the complement: KRT16 is on the minus strand). VCF-style: chr17-41612628-C-T. GRCh37 (hg19) VCF-style: chr17-39768880-C-T.
Other names: short protein forms G21R.
Identifiers: ClinVar variation 1962790 (VCV001962790.5), dbSNP rs779409999, ClinGen allele CA8563367.